The following is an entry in ClinVar:

NM_002968.3(SALL1):c.1329T>G (p.Asp443Glu)

Gene: SALL1 (spalt like transcription factor 1; minus strand). Cytogenetic location: 16q12.1.
Variant type: single nucleotide variant.
Coding change: c.1329T>G on transcript NM_002968.3 (MANE Select); coding-DNA position 1329, T replaced by G.
Protein change: p.Asp443Glu; replaces aspartic acid 443 with glutamic acid.
Molecular consequence: missense variant.
Genome position (GRCh38, 1-based): chr16:51,140,893, A>C on the plus strand (T>G on the coding strand, the complement: SALL1 is on the minus strand). VCF-style: chr16-51140893-A-C. GRCh37 (hg19) VCF-style: chr16-51174804-A-C.
Other names: c.1038T>G, p.Asp346Glu (NM_001127892.2); short protein forms D346E, D443E.
Identifiers: ClinVar variation 2915218 (VCV002915218.3), dbSNP rs201203066, ClinGen allele CA395888913.

ClinVar aggregate classification (germline): Uncertain significance (1 of 4 stars; one submission).

Conditions:
Townes syndrome (TBS). Also called: Townes-Brocks syndrome. Identifiers: Orphanet 857, MedGen C0265246, MeSH C536974, MONDO:0007142.

gnomAD v4.1: 4 of 1,614,224 alleles (0.00025%); highest among the groups gnomAD compares: East Asian, 0.0045%; no homozygotes.

Submission:

Labcorp Genetics (formerly Invitae), Labcorp
Classification: Uncertain significance for Townes syndrome. Last evaluated: 2024-12-02. Review status: criteria provided, single submitter. Criteria: Invitae Variant Classification Sherloc (09022015). Collection method: clinical testing. Allele origin: germline.
Comment: This sequence change replaces aspartic acid, which is acidic and polar, with glutamic acid, which is acidic and polar, at codon 443 of the SALL1 protein (p.Asp443Glu). This variant is present in population databases (no rsID available, gnomAD 0.009%). This variant has not been reported in the literature in individuals affected with SALL1-related conditions. ClinVar contains an entry for this variant (Variation ID: 2915218). Invitae Evidence Modeling of protein sequence and biophysical properties (such as structural, functional, and spatial information, amino acid conservation, physicochemical variation, residue mobility, and thermodynamic stability) indicates that this missense variant is not expected to disrupt SALL1 protein function with a negative predictive value of 80%. In summary, the available evidence is currently insufficient to determine the role of this variant in disease. Therefore, it has been classified as a Variant of Uncertain Significance.